The following is an entry in ClinVar:

ClinVar aggregate classification (germline): Uncertain significance (0 of 4 stars; one submission).

Conditions:
TTN-related disorder. Also called: TTN-related condition; TTN-related disease; TTN-related disorders.

gnomAD v4.1: 1 of 1,580,118 alleles (0.000063%); no homozygotes.

Submission:

PreventionGenetics, part of Exact Sciences
Classification: Uncertain significance for TTN-related condition. Last evaluated: 2024-02-01. Review status: no assertion criteria provided. Collection method: clinical testing. Allele origin: germline.
Comment: The TTN c.63205A>G variant is predicted to result in the amino acid substitution p.Thr21069Ala. To our knowledge, this variant has not been reported in the literature or in a large population database, indicating this variant is rare. At this time, the clinical significance of this variant is uncertain due to the absence of conclusive functional and genetic evidence.

NM_001267550.2(TTN):c.63205A>G (p.Thr21069Ala)

Genes: TTN (titin; minus strand), TTN-AS1 (TTN antisense RNA 1; plus strand). Cytogenetic location: 2q31.2.
Variant type: single nucleotide variant.
Coding change: c.63205A>G on transcript NM_001267550.2 (MANE Select); coding-DNA position 63205, A replaced by G.
Protein change: p.Thr21069Ala; replaces threonine 21069 with alanine.
Molecular consequence: missense variant.
Genome position (GRCh38, 1-based): chr2:178,588,202, T>C on the plus strand (A>G on the coding strand, the complement: TTN is on the minus strand). VCF-style: chr2-178588202-T-C. GRCh37 (hg19) VCF-style: chr2-179452929-T-C.
Other names: c.55501A>G, p.Thr18501Ala (NM_133378.4); c.36385A>G, p.Thr12129Ala (NM_133432.3); c.36586A>G, p.Thr12196Ala (NM_133437.4); c.58282A>G, p.Thr19428Ala (NM_001256850.1); c.36010A>G, p.Thr12004Ala (NM_003319.4); short protein forms T12004A, T12129A, T12196A, T18501A, T19428A, T21069A.
Identifiers: ClinVar variation 3032521 (VCV003032521.2), dbSNP rs2469330317, ClinGen allele CA349455467.
Genomic context (GRCh38, chr2:178,588,202, plus strand): 5'-CTGGTTTTCCCCACCCAAGAGTTATGGAATGTTTGGTTGTATCAACCACTCTGAAATTGG[T>C]TGGTGGACCAGGTGGCTCTGAAAGTAAAATATACATATAGTTAACTACTACTAGTGATAC-3'
Protein context (NP_001254479.2, residues 21059-21079): KDPIEPPGPP[Thr21069Ala]NFRVVDTTKH